The following is an entry in ClinVar:

ClinVar aggregate classification (germline): Pathogenic/Likely pathogenic. Review status: criteria provided, multiple submitters, no conflicts (2 of 4 stars). 2 submissions from 2 submitters: Pathogenic (1); Likely pathogenic (1). Last evaluated 2023-08-04.

Allele frequency attached by ClinVar (database versions not stated): TOPMed below 0.00001; gnomAD 0.00001.

Submissions (2):

Labcorp Genetics (formerly Invitae), Labcorp
Classification: Pathogenic. Last evaluated: 2023-08-04. Review status: criteria provided, single submitter. Criteria: Invitae Variant Classification Sherloc (09022015). Collection method: clinical testing. Allele origin: germline.
Comment: For these reasons, this variant has been classified as Pathogenic. ClinVar contains an entry for this variant (Variation ID: 524158). This variant has not been reported in the literature in individuals affected with COL4A4-related conditions. This variant is not present in population databases (gnomAD no frequency). This sequence change creates a premature translational stop signal (p.Gly226Argfs*22) in the COL4A4 gene. It is expected to result in an absent or disrupted protein product. Loss-of-function variants in COL4A4 are known to be pathogenic (PMID: 21196518, 24854265, 25307543).

GeneDx
Classification: Likely pathogenic. Last evaluated: 2022-01-12. Review status: criteria provided, single submitter. Criteria: GeneDx Variant Classification Process June 2021. Collection method: clinical testing. Allele origin: germline. Affected: yes.
Comment: Frameshift variant predicted to result in protein truncation or nonsense mediated decay in a gene for which loss-of-function is a known mechanism of disease; Not observed at significant frequency in large population cohorts (gnomAD); Has not been previously published as pathogenic or benign to our knowledge

Literature cited by the submitters: PubMed 21196518 (cited by Labcorp Genetics (formerly Invitae), Labcorp); PubMed 24854265 (cited by Labcorp Genetics (formerly Invitae), Labcorp); PubMed 25307543 (cited by Labcorp Genetics (formerly Invitae), Labcorp).

NM_000092.5(COL4A4):c.675dup (p.Gly226fs)

Gene: COL4A4 (collagen type IV alpha 4 chain; minus strand). Cytogenetic location: 2q36.3.
Variant type: Duplication.
Coding change: c.675dup on transcript NM_000092.5 (MANE Select); coding-DNA position 675, one base duplicated (A; older notation c.675dupA).
Protein change: p.Gly226fs; shifts the reading frame from glycine 226.
Molecular consequence: frameshift variant.
Genome position (GRCh38, 1-based): chr2:227,108,851, T duplicated on the plus strand (A on the coding strand, the reverse complement: COL4A4 is on the minus strand). VCF-style (leftmost placement, unchanged base first): chr2-227108850-C-CT. GRCh37 (hg19) VCF-style: chr2-227973566-C-CT.
Other names: c.675dupA (NM_000092.4); short protein forms G226fs.
Identifiers: ClinVar variation 524158 (VCV000524158.10), dbSNP rs1553688335, ClinGen allele CA658796187.